The following is an entry in ClinVar:

ClinVar aggregate classification (germline): Uncertain significance. Review status: criteria provided, multiple submitters, no conflicts (2 of 4 stars). 2 submissions from 2 submitters: Uncertain significance (2). Last evaluated 2023-01-31.

Conditions:
Hereditary cancer-predisposing syndrome. Also called: Tumor predisposition; Hereditary neoplastic syndrome; Neoplastic Syndromes, Hereditary; Hereditary Cancer Syndrome. Identifiers: Orphanet 140162, MedGen C0027672, MeSH D009386, MONDO:0015356.
Oligodontia-cancer predisposition syndrome. Also called: TOOTH AGENESIS-COLORECTAL CANCER SYNDROME. Identifiers: Orphanet 300576, MedGen C1837750, MONDO:0012075, OMIM 608615. Disease mechanism: loss of function.

Allele frequency attached by ClinVar (database versions not stated): gnomAD exomes below 0.00001; TOPMed below 0.00001; ExAC 0.00001; gnomAD 0.00001.

Submissions (2):

Ambry Genetics
Classification: Uncertain significance for Hereditary cancer-predisposing syndrome. Last evaluated: 2023-01-31. Review status: criteria provided, single submitter. Criteria: Ambry Variant Classification Scheme 2023. Collection method: clinical testing. Allele origin: germline.
Comment: The p.E400G variant (also known as c.1199A>G), located in coding exon 4 of the AXIN2 gene, results from an A to G substitution at nucleotide position 1199. The glutamic acid at codon 400 is replaced by glycine, an amino acid with similar properties. This amino acid position is conserved. In addition, the in silico prediction for this alteration is inconclusive. Since supporting evidence is limited at this time, the clinical significance of this alteration remains unclear.

Labcorp Genetics (formerly Invitae), Labcorp
Classification: Uncertain significance for Oligodontia-cancer predisposition syndrome. Last evaluated: 2022-04-15. Review status: criteria provided, single submitter. Criteria: Invitae Variant Classification Sherloc (09022015). Collection method: clinical testing. Allele origin: germline.
Comment: This sequence change replaces glutamic acid, which is acidic and polar, with glycine, which is neutral and non-polar, at codon 400 of the AXIN2 protein (p.Glu400Gly). In summary, the available evidence is currently insufficient to determine the role of this variant in disease. Therefore, it has been classified as a Variant of Uncertain Significance. Algorithms developed to predict the effect of sequence changes on RNA splicing suggest that this variant may create or strengthen a splice site. Algorithms developed to predict the effect of missense changes on protein structure and function are either unavailable or do not agree on the potential impact of this missense change (SIFT: "Deleterious"; PolyPhen-2: "Possibly Damaging"; Align-GVGD: "Class C0"). ClinVar contains an entry for this variant (Variation ID: 958583). This variant has not been reported in the literature in individuals affected with AXIN2-related conditions. This variant is present in population databases (rs762522074, gnomAD 0.0009%).

NM_004655.4(AXIN2):c.1199A>G (p.Glu400Gly)

Gene: AXIN2 (axin 2; minus strand). Cytogenetic location: 17q24.1.
Variant type: single nucleotide variant.
Coding change: c.1199A>G on transcript NM_004655.4 (MANE Select); coding-DNA position 1199, A replaced by G.
Protein change: p.Glu400Gly; replaces glutamic acid 400 with glycine.
Molecular consequence: missense variant.
Genome position (GRCh38, 1-based): chr17:65,538,204, T>C on the plus strand (A>G on the coding strand, the complement: AXIN2 is on the minus strand). VCF-style: chr17-65538204-T-C. GRCh37 (hg19) VCF-style: chr17-63534322-T-C.
Other names: c.1199A>G, p.Glu400Gly (NM_001363813.1); short protein forms E400G.
Identifiers: ClinVar variation 958583 (VCV000958583.11), dbSNP rs762522074, ClinGen allele CA8718836.
Genomic context (GRCh38, chr17:65,538,204, plus strand): 5'-TACACATACGAGCGCTCACGCCGTGGACGGAAGCAGGAAGAAGGCCTAGGCCGCATTACC[T>C]CTCGGATCTGCTGCAGGCGCTCCTCCAGGCTGTGGCGGCTCTCCAACTCCAGCTTCAGCT-3'
Protein context (NP_004646.3, residues 390-410): SLEERLQQIR[Glu400Gly]DEEREGSELT